The following is an entry in ClinVar:

NM_030780.5(SLC25A32):c.717C>T (p.Val239=)

Gene: SLC25A32 (solute carrier family 25 member 32; minus strand). Cytogenetic location: 8q22.3.
Variant type: single nucleotide variant.
Coding change: c.717C>T on transcript NM_030780.5 (MANE Select); coding-DNA position 717, C replaced by T.
Protein change: p.Val239=; no amino-acid change (valine 239 retained).
Molecular consequence: synonymous variant. On other transcripts: non-coding transcript variant (2).
Genome position (GRCh38, 1-based): chr8:103,401,611, G>A on the plus strand (C>T on the coding strand, the complement: SLC25A32 is on the minus strand). VCF-style: chr8-103401611-G-A. GRCh37 (hg19) VCF-style: chr8-104413839-G-A.
Identifiers: ClinVar variation 2883597 (VCV002883597.3), dbSNP rs372532340, ClinGen allele CA4835385.

ClinVar aggregate classification (germline): Uncertain significance (1 of 4 stars; one submission).

Allele frequency attached by ClinVar (database versions not stated): gnomAD exomes 0.00001; ExAC 0.00002; gnomAD 0.00003; TOPMed 0.00005; ESP Exome Variant Server 0.00008.
gnomAD v4.1: 23 of 1,613,084 alleles (0.0014%); highest among the groups gnomAD compares: East Asian, 0.0067%; no homozygotes.

Submission:

Labcorp Genetics (formerly Invitae), Labcorp
Classification: Uncertain significance. Last evaluated: 2023-11-19. Review status: criteria provided, single submitter. Criteria: Invitae Variant Classification Sherloc (09022015). Collection method: clinical testing. Allele origin: germline.
Comment: This sequence change affects codon 239 of the SLC25A32 mRNA. It is a 'silent' change, meaning that it does not change the encoded amino acid sequence of the SLC25A32 protein. This variant is present in population databases (rs372532340, gnomAD 0.01%). This variant has not been reported in the literature in individuals affected with SLC25A32-related conditions. Algorithms developed to predict the effect of sequence changes on RNA splicing suggest that this variant may create or strengthen a splice site. In summary, the available evidence is currently insufficient to determine the role of this variant in disease. Therefore, it has been classified as a Variant of Uncertain Significance.